The following is an entry in ClinVar:

NM_022124.6(CDH23):c.4249C>T (p.Arg1417Trp)

Gene: CDH23 (cadherin related 23; plus strand). Cytogenetic location: 10q22.1.
Variant type: single nucleotide variant.
Coding change: c.4249C>T on transcript NM_022124.6 (MANE Select); coding-DNA position 4249, C replaced by T.
Protein change: p.Arg1417Trp; replaces arginine 1417 with tryptophan.
Molecular consequence: missense variant.
Genome position (GRCh38, 1-based): chr10:71,738,537, C>T. VCF-style: chr10-71738537-C-T. GRCh37 (hg19) VCF-style: chr10-73498294-C-T.
Other names: c.4249C>T (NM_022124.5); short protein forms R1417W.
Identifiers: ClinVar variation 1009489 (VCV001009489.9), dbSNP rs756231829, ClinGen allele CA5544992.
Genomic context (GRCh38, chr10:71,738,537, plus strand): 5'-TCTGACCACGTTCACCCTCAGGTCTACATCACTGTGCTGGACGAGAATGACAACAGCCCC[C>T]GGTTTGACTTCACCTCCGACTCGGCGGTCAGCATACCCGAGGACTGCCCTGTGGGCCAGC-3'
Protein context (NP_071407.4, residues 1407-1427): TVLDENDNSP[Arg1417Trp]FDFTSDSAVS

ClinVar aggregate classification (germline): Conflicting classifications of pathogenicity. Review status: criteria provided, conflicting classifications (1 of 4 stars). 5 submissions from 5 submitters: Uncertain significance (3); Likely benign (1). 1 of the submissions does not count toward it. Last evaluated 2026-04-20.

Conditions:
Pituitary adenoma 5, multiple types. Identifiers: MedGen C4539685, MONDO:0054601, OMIM 617540.
Usher syndrome type 1D (USH1D). Also called: USHER SYNDROME, TYPE ID. Identifiers: Orphanet 231169, Orphanet 886, MedGen C1832845, MONDO:0010984, OMIM 601067.
Autosomal recessive nonsyndromic hearing loss 12. Also called: DEAFNESS, AUTOSOMAL RECESSIVE 12. Identifiers: Orphanet 90636, MedGen C1832394, MONDO:0011067, OMIM 601386.
CDH23-related disorder. Also called: CDH23-related disorders; CDH23-related condition.
Usher syndrome type 1 (USH1). Also called: RETINITIS PIGMENTOSA AND CONGENITAL DEAFNESS. Identifiers: Orphanet 231169, Orphanet 886, MedGen C1568247, MONDO:0010168, OMIM 276900.

Allele frequency attached by ClinVar (database versions not stated): gnomAD 0.00003 and 0.00005; TOPMed 0.00003; gnomAD exomes 0.00008; ExAC 0.00009.
gnomAD v4.1: 82 of 1,613,976 alleles (0.0051%); highest among the groups gnomAD compares: East Asian, 0.11%; 1 homozygote.

Submissions (5):

PreventionGenetics, part of Exact Sciences
Classification: Uncertain significance for CDH23-related condition. Last evaluated: 2026-04-20. Review status: criteria provided, single submitter. Criteria: ACMG Guidelines, 2015. Collection method: clinical testing. Allele origin: germline.
Comment: The CDH23 c.4249C>T variant is predicted to result in the amino acid substitution p.Arg1417Trp. This variant was reported in the homozygous state and in the heterozygous state without a second potentially causative variant in individuals with hearing loss (Miyagawa et al. 2012. PubMed ID: 22899989; Wagatsuma et al. 2007. PubMed ID: 17850630). This variant is reported in 0.095% of alleles in individuals of East Asian descent in gnomAD. At this time, the clinical significance of this variant is uncertain due to the absence of conclusive functional and genetic evidence.

Labcorp Genetics (formerly Invitae), Labcorp
Classification: Likely benign. Last evaluated: 2025-10-26. Review status: criteria provided, single submitter. Criteria: Invitae Variant Classification Sherloc (09022015). Collection method: clinical testing. Allele origin: germline.

Women's Health and Genetics/Laboratory Corporation of America, LabCorp
Classification: Uncertain significance. Last evaluated: 2023-03-10. Review status: criteria provided, single submitter. Criteria: LabCorp Variant Classification Summary - May 2015. Collection method: clinical testing. Allele origin: germline.
Comment: Variant summary: CDH23 c.4249C>T (p.Arg1417Trp) results in a non-conservative amino acid change in the encoded protein sequence. Four of five in-silico tools predict a damaging effect of the variant on protein function. The variant allele was found at a frequency of 8e-05 in 249270 control chromosomes. This frequency is not significantly higher than estimated for a pathogenic variant in CDH23 causing Usher Syndrome (8e-05 vs 0.0032), allowing no conclusion about variant significance. c.4249C>T has been reported in the literature in individuals affected with hearing loss without strong evidence for causality (Miyagawa_2012, Mizutari_2015, Mori_2016, Wagatsuma_2007). These reports do not provide unequivocal conclusions about association of the variant with Usher Syndrome. To our knowledge, no experimental evidence demonstrating an impact on protein function has been reported. Three submitters have provided clinical-significance assessments for this variant to ClinVar after 2014, and classified the variant as uncertain significance. Based on the evidence outlined above, the variant was classified as uncertain significance.

Fulgent Genetics
Classification: Uncertain significance for Usher syndrome type 1D; Autosomal recessive nonsyndromic hearing loss 12; Pituitary adenoma 5, multiple types. Last evaluated: 2021-11-01. Review status: criteria provided, single submitter. Criteria: ACMG Guidelines, 2015. Collection method: clinical testing. Allele origin: unknown.

Natera, Inc.
Classification: Uncertain significance for Usher syndrome type 1. Last evaluated: 2020-02-19. Review status: no assertion criteria provided. Collection method: clinical testing. Allele origin: germline. Not counted in ClinVar's aggregate classification.

Literature cited by the submitters: PubMed 22899989 (cited by Women's Health and Genetics/Laboratory Corporation of America, LabCorp); PubMed 17850630 (cited by Women's Health and Genetics/Laboratory Corporation of America, LabCorp); PubMed 25963016 (cited by Women's Health and Genetics/Laboratory Corporation of America, LabCorp); PubMed 27627659 (cited by Women's Health and Genetics/Laboratory Corporation of America, LabCorp).